The following is an entry in ClinVar:

NM_004655.4(AXIN2):c.865_866delinsAC (p.Tyr289Thr)

Gene: AXIN2 (axin 2; minus strand). Cytogenetic location: 17q24.1.
Variant type: Indel.
Coding change: c.865_866delinsAC on transcript NM_004655.4 (MANE Select); coding-DNA positions 865 to 866, TA replaced by AC.
Protein change: p.Tyr289Thr; replaces tyrosine 289 with threonine.
Molecular consequence: missense variant.
Genome position (GRCh38, 1-based): chr17:65,549,610-65,549,611, TA replaced by GT on the plus strand (TA replaced by AC on the coding strand, the reverse complement: AXIN2 is on the minus strand). VCF-style: chr17-65549610-TA-GT. GRCh37 (hg19) VCF-style: chr17-63545728-TA-GT.
Other names: c.865_866delinsAC, p.Tyr289Thr (NM_001363813.1); short protein forms Y289T.
Identifiers: ClinVar variation 1505961 (VCV001505961.6), dbSNP rs2144539322, ClinGen allele CA2573154863.

ClinVar aggregate classification (germline): Uncertain significance (1 of 4 stars; one submission).

Conditions:
Oligodontia-cancer predisposition syndrome. Also called: TOOTH AGENESIS-COLORECTAL CANCER SYNDROME. Identifiers: Orphanet 300576, MedGen C1837750, MONDO:0012075, OMIM 608615. Disease mechanism: loss of function.

Submission:

Labcorp Genetics (formerly Invitae), Labcorp
Classification: Uncertain significance for Oligodontia-cancer predisposition syndrome. Last evaluated: 2025-12-14. Review status: criteria provided, single submitter. Criteria: Invitae Variant Classification Sherloc (09022015). Collection method: clinical testing. Allele origin: germline.
Comment: This sequence change replaces tyrosine, which is neutral and polar, with threonine, which is neutral and polar, at codon 289 of the AXIN2 protein (p.Tyr289Thr). Information on the frequency of this variant in the gnomAD database is not available, as this variant may be reported differently in the database. This variant has not been reported in the literature in individuals affected with AXIN2-related conditions. ClinVar contains an entry for this variant (Variation ID: 1505961). An algorithm developed to predict the effect of missense changes on protein structure and function (PolyPhen-2) suggests that this variant is likely to be disruptive. In summary, the available evidence is currently insufficient to determine the role of this variant in disease. Therefore, it has been classified as a Variant of Uncertain Significance.